The following is an entry in ClinVar:

UGT1A1*37

Genes: UGT1A1 (UDP glucuronosyltransferase family 1 member A1; plus strand), UGT1A10 (UDP glucuronosyltransferase family 1 member A10; plus strand), UGT1A6 (UDP glucuronosyltransferase family 1 member A6; plus strand), UGT1A3 (UDP glucuronosyltransferase family 1 member A3; plus strand), UGT1A4 (UDP glucuronosyltransferase family 1 member A4; plus strand) and 5 more. Cytogenetic location: 2q37.1.
Variant type: Microsatellite.
Molecular consequence: intron variant (on NM_019076.5).
Genome position: GRCh38 VCF-style: chr2-233760233-C-CATAT. GRCh37 (hg19) VCF-style: chr2-234668879-C-CATAT.
Other names: (TA)8TAA; NM_000463.2(UGT1A1):c.-53TA[9]; TA8; *37; c.856-6789_856-6786dupTATA (NM_021027.2); c.856-6800AT[9] (NM_019076.5, NM_019075.4, NM_021027.3 and 1 more transcripts); c.61-6800AT[9] (NM_205862.3); c.862-6800AT[9] (NM_001072.4); and 5 more.
Identifiers: ClinVar variation 549829 (VCV000549829.33), dbSNP rs3064744, ClinGen allele CA431959758.
Genomic context (GRCh38, chr2:233,760,233, plus strand): 5'-AGCTTTTTATAGTCACGTGACACAGTCAAACATTAACTTGGTGTATCGATTGGTTTTTGC[C>CATAT]ATATATATATATATAAGTAGGAGAGGGCGAACCTCTGGCAGGAGCAAAGGCGCCATGGCT-3'

ClinVar aggregate classification (germline): Conflicting classifications of pathogenicity; drug response. Review status: criteria provided, conflicting classifications (1 of 4 stars). 9 submissions from 9 submitters: Pathogenic (3); Likely pathogenic (1); Uncertain significance (2); Benign (1). 1 of the submissions does not count toward it. Last evaluated 2026-02-01.

Conditions:
Irinotecan response. Also called: Camptosar response. Identifiers: MedGen CN077989.
UGT1A9-related disorder. Also called: UGT1A9-related condition.
Inborn genetic diseases. Identifiers: MedGen C0950123, MeSH D030342.
UGT1A1-related disorder. Also called: UGT1A1-related condition; UGT1A1-related disorders.

Submissions (9):

Labcorp Genetics (formerly Invitae), Labcorp
Classification: Pathogenic. Last evaluated: 2026-02-01. Review status: criteria provided, single submitter. Criteria: Invitae Variant Classification Sherloc (09022015). Collection method: clinical testing. Allele origin: germline.
Comment: This variant is located in the TATA box of the UGT1A1 promoter region. Variants altering TATA repeat length from its usual length of 6 TA repeats (aka (TA)6 or UGT1A1*1) are associated with Gilbert syndrome, a mild and often asymptomatic hyperbilirubinemia. This variant is present in population databases (no rsID available, gnomAD 5%), and has an allele count higher than expected for a pathogenic variant. This variant has been observed in trans with the c.-41_-40dup (also known as (TA)7 or UGT1A1*28) variant in individual(s) with Gilbert syndrome (PMID: 10091406, 15205079). It has also been observed to segregate with disease in related individuals. Compound heterozygosity for this variant and a pathogenic UGT1A1 coding variant may result in a more pronounced enzyme deficiency, higher total serum bilirubin levels, and a clinical presentation similar to Crigler-Najjar syndrome. This variant is also known as (TA)8, UGT1A1*37. ClinVar contains an entry for this variant (Variation ID: 549829). Algorithms developed to predict the effect of variants on gene product structure and function are not available or were not evaluated for this variant. Experimental studies have shown that this variant decreases UGT1A1 promoter activity (PMID: 9653159). For these reasons, this variant has been classified as Pathogenic.

Ambry Genetics
Classification: Uncertain significance for Inborn genetic diseases. Last evaluated: 2025-12-02. Review status: criteria provided, single submitter. Criteria: Ambry Variant Classification Scheme 2023. Collection method: clinical testing. Allele origin: germline.
Comment: The c.-43_-40dupTATA alteration is located in the 5' untranslated region (5'UTR) of the UGT1A1 gene. This alteration consists of a 4 nucleotide duplication 40 nucleotides upstream from the first translated codon. Based on data from gnomAD, the c.-43_-40dupTATA allele has an overall frequency of 0.378% (5602/1482566) total alleles studied, including 51 homozygotes. The highest observed frequency was 5.012% (3586/71552) of African alleles. Functional studies suggest decreased UGT1A1 promoter activity and expression; however, additional evidence is needed to confirm this finding (Beutler, 1998). Based on insufficient or conflicting evidence, the clinical significance of this alteration remains unclear.

Center for Genomic Medicine, Rigshospitalet, Copenhagen University Hospital
Classification: Uncertain significance. Last evaluated: 2025-03-04. Review status: criteria provided, single submitter. Criteria: ACMG Guidelines, 2015. Collection method: clinical testing. Allele origin: germline.

Women's Health and Genetics/Laboratory Corporation of America, LabCorp
Classification: Likely pathogenic for UGT1A1-Related Disorders. Last evaluated: 2025-01-02. Review status: criteria provided, single submitter. Criteria: LabCorp Variant Classification Summary - May 2015. Collection method: clinical testing. Allele origin: germline.
Comment: Variant summary: UGT1A1 c.-43_-40dupTATA, also known as UGT1A1*37 and (TA)8, is located in the untranscribed region upstream of the UGT1A1 gene region. The variant allele was found at a frequency of 0.0038 in 1482566 control chromosomes, predominantly at a frequency of 0.05 within the African or African-American subpopulation in the gnomAD database, including 48 homozygotes. c.-43_-40dupTATA has been reported in the literature in compound heterozygous genotype with c.-41_-40dupTA (aka (TA)7) and/or other non-benign variants in individuals affected with UGT1A1-Related conditions (Iolascon_1999, Coelho_2004, Labcorp). Further it was observed in the homozygous state with a homozygous p.Gln357Arg pathogenic variant in numerous individuals of Tunisian descent (Abdellaoui_2022), however the independent impact of the c.-43_-40dupTATA could not be deduced. this variant (aka UGT1A1*37) is implicated as a contributing factor to the high rates of Gilbert syndrome (mild hyperbilirubinemia) in the general population but is notably less frequently observed in clinical cases than the TA(7)/UGT1A1*28 variant c.-41_-41dup (see HGMD CE985557, CE024380 vs. CE984189). Pharmacogenetic impact for UGT1A1*37 has been proposed) wherein UGT1A1 promoter TA(n) expansions decrease overall UGT1A1 expression, thus impeding metabolic inactivation of the anti-neoplastic drug irenotecan. There are no bona fide cases of severe Crigler-Najjar-spectrum disease attributable to this variant alone. Therefore this common variant is likely to contribute to the high rate of Gilbert syndrome, especially in populations where it has a high frequency (e.g. African subpopulation), given the functional data showing similar reduction in protein expression compared to the well-established UGT1A1*28 (TA7) allele. However, it does not yet have a strong independent association due to the lack of segregation studies in affected individuals. At least one publication reports experimental evidence evaluating an impact on protein function. The most pronounced variant effect results in 33% of normal activity in an in vitro cellular assay (Iolascon_1999, Beutler_1998). The following publications have been ascertained in the context of this evaluation (PMID: 9653159, 15205079, 10091406, 16269258, 35527687). ClinVar contains an entry for this variant (Variation ID: 549829). Based on the evidence outlined above, the variant was classified as likely pathogenic.

Mayo Clinic Laboratories, Mayo Clinic
Classification: Pathogenic. Last evaluated: 2024-09-04. Review status: criteria provided, single submitter. Criteria: ACMG Guidelines, 2015. Collection method: clinical testing. Allele origin: germline. Observed: 43 variant alleles.

ARUP Laboratories, Molecular Genetics and Genomics, ARUP Laboratories
Classification: Pathogenic. Last evaluated: 2023-10-20. Review status: criteria provided, single submitter. Criteria: ARUP Molecular Germline Variant Investigation Process 2024. Collection method: clinical testing. Allele origin: germline.
Comment: The UGT1A1 TATA box commonly has 6 TA repeats; however, there can be 5 TA repeats, 7 TA repeats, or less commonly, 8 and 9 TA repeats (Barbarino 2014). In vitro studies have shown that UGT1A1 promoter expression decreases as the number of TA repeats increases (Beutler 1998). Genotypes that are homozygous for (TA)7, homozygous for (TA)8, or compound heterozygotes for (TA)7, (TA)8, or (TA)9 cause reduced expression of UGT1A1 and are associated with Gilbert syndrome, which is characterized by increased bilirubin levels, and may have a neonatal appearance of hereditary spherocytosis (Bosma 1995, Iolascon 1998, Nikolac 2008, Ostanek 2007). Individuals who are heterozygous for the (TA)7 *28 promoter variant may have an increased risk for drug toxicity when treated with irinotecan (Marcuello 2004, Riera 2018). Individuals who are homozygous for (TA)7 or compound heterozygous for more than 6 TA repeats may experience an increased incidence of atazanavir-associated hyperbilirubinemia (Gammal 2016). References Barbarino JM et al. PharmGKB summary: very important pharmacogene information for UGT1A1. Pharmacogenet Genomics. 2014 24:177-183. PMID: 24492252 Beutler E et al. Racial variability in the UDP-glucuronosyltransferase 1 (UGT1A1) promoter: a balanced polymorphism for regulation of bilirubin metabolism? Proc Natl Acad Sci U S A. 1998 95:8170-8174. PMID: 9653159 Bosma PJ et al. The genetic basis of the reduced expression of bilirubin UDP-glucuronosyltransferase 1 in Gilbert's syndrome. N Engl J Med. 1995 333:1171-1175. PMID: 7565971 Gammal RS et al. Clinical Pharmacogenetics Implementation Consortium (CPIC) Guideline for UGT1A1 and Atazanavir Prescribing. Clin Pharmacol Ther. 2016 99:363-369. PMID: 26417955 Iolascon A et al. UGT1 promoter polymorphism accounts for increased neonatal appearance of hereditary spherocytosis. Blood. 1998 91:1093. PMID: 9446675 Marcuello E et al. UGT1A1 gene variations and irinotecan treatment in patients with metastatic colorectal cancer. Br J Cancer. 2004 91:678-682. PMID: 15280927 Nikolac N et al. Rare TA repeats in promoter TATA box of the UDP glucuronosyltranferase (UGT1A1) gene in Croatian subjects. Clin Chem Lab Med. 2008 46:174-178. PMID: 18324905 Ostanek B et al. UGT1A1(TA)n promoter polymorphism--a new case of a (TA)8 allele in Caucasians. Blood Cells Mol Dis. 2007 38:78-82. PMID: 17196409 Riera P et al. Relevance of CYP3A4*20, UGT1A1*37 and UGT1A1*28 variants in irinotecan-induced severe toxicity. Br J Clin Pharmacol. 2018 84:1389-1392. PMID: 29504153

GeneDx
Classification: Benign. Last evaluated: 2020-05-09. Review status: criteria provided, single submitter. Criteria: GeneDx Variant Classification Process June 2021. Collection method: clinical testing. Allele origin: germline. Affected: yes.

Medical Genetics Summaries
Classification: drug response for Irinotecan response. Last evaluated: 2018-04-04. Review status: criteria provided, single submitter. Criteria: Medical Genetics Summaries: Irinotecan therapy and UGT1A1 genotype. Collection method: curation. Allele origin: germline. Affected: yes.
Comment: The risk of irinotecan toxicity increases with genetic variants associated with reduced UGT enzyme activity, such as UGT1A1*37.

PreventionGenetics, part of Exact Sciences
Classification: Uncertain significance for UGT1A9-related condition. Last evaluated: 2024-08-13. Review status: no assertion criteria provided. Collection method: clinical testing. Allele origin: germline. Not counted in ClinVar's aggregate classification.
Comment: The UGT1A9 c.856-6789_856-6786dupTATA variant is predicted to result in an intronic duplication. One TA repeat in this region (also referred to as c.-41_-40dup or A(TA)7TAA allele) resulted in reduced expression of bilirubin UDP-glucuronosyltransferase 1 and subsequently increased serum bilirubin levels, and is considered an established risk factor for hyperbilirubinemia and Gilbert syndrome. The activity of the UGT1A1 promoter was shown to decrease with a progressively increasing number of TA repeat in one in vitro study (Beutler et al. 1998. PubMed ID: 9653159), although repeat variants other than the A(TA)7TAA allele have not been well-characterized to date. The allele frequency of the c.-43_-40dup (i.e. the A(TA)8TAA allele) was also reported at nearly 7% in the same study (Beutler et al. 1998. PubMed ID: 9653159). In the gnomAD database, the c.-43_-40dup variant was listed at a minor allele frequency of up to ~5.3% in the African population, including 12 homozygotes. In summary, although we suspect that this variant is benign in the context of severe Mendelian disease, we cannot rule out the possibility that this variant may act as a contributing risk factor for a more mild clinical presentation similar to the c.-41_-40dup risk variant. Therefore, we classify c.-43_-40dupTATA as a variant of uncertain significance in the absence of conclusive genetic and functional evidence.

Literature cited by the submitters: PubMed 10091406 (cited by Labcorp Genetics (formerly Invitae), Labcorp and Women's Health and Genetics/Laboratory Corporation of America, LabCorp); PubMed 15205079 (cited by Labcorp Genetics (formerly Invitae), Labcorp and Women's Health and Genetics/Laboratory Corporation of America, LabCorp); PubMed 9653159 (cited by 4 submitters); PubMed 38054408 (cited by Center for Genomic Medicine, Rigshospitalet, Copenhagen University Hospital); PubMed 29504153 (cited by Center for Genomic Medicine, Rigshospitalet, Copenhagen University Hospital); PubMed 35527687 (cited by Women's Health and Genetics/Laboratory Corporation of America, LabCorp); PubMed 16269258 (cited by Women's Health and Genetics/Laboratory Corporation of America, LabCorp).